The following is an entry in ClinVar:

NM_032776.3(JMJD1C):c.3922C>T (p.Arg1308Cys)

Gene: JMJD1C (jumonji domain containing 1C; minus strand). Cytogenetic location: 10q21.3.
Variant type: single nucleotide variant.
Coding change: c.3922C>T on transcript NM_032776.3 (MANE Select); coding-DNA position 3922, C replaced by T.
Protein change: p.Arg1308Cys; replaces arginine 1308 with cysteine.
Molecular consequence: missense variant. On other transcripts: non-coding transcript variant (1).
Genome position (GRCh38, 1-based): chr10:63,207,747, G>A on the plus strand (C>T on the coding strand, the complement: JMJD1C is on the minus strand). VCF-style: chr10-63207747-G-A. GRCh37 (hg19) VCF-style: chr10-64967507-G-A.
Other names: c.3376C>T, p.Arg1126Cys (NM_001282948.2, NM_001318154.2); c.3058C>T, p.Arg1020Cys (NM_001318153.2); c.3808C>T, p.Arg1270Cys (NM_001322252.2); c.3265C>T, p.Arg1089Cys (NM_001322254.2, NM_001322258.2); short protein forms R1308C, R1270C, R1089C, R1126C, R1020C.
Identifiers: ClinVar variation 583114 (VCV000583114.11), dbSNP rs766701870, ClinGen allele CA5518358.
Genomic context (GRCh38, chr10:63,207,747, plus strand): 5'-GATCTTTAGAAGCTAACTGCATTGCTGGCATACTATCAGTTTTTGTACTAGAAGATGGAC[G>A]CACAATGACAGATGCCATAGCAGCCTGTAACTTTCCGCTGCTTTTCTCCACATGCCATTC-3'
Protein context (NP_116165.1, residues 1298-1318): LQAAMASVIV[Arg1308Cys]PSSSTKTDSM

ClinVar aggregate classification (germline): Uncertain significance. Review status: criteria provided, multiple submitters, no conflicts (2 of 4 stars). 2 submissions from 2 submitters: Uncertain significance (2). Last evaluated 2026-05-01.

Conditions:
Early Myoclonic Encephalopathy. Identifiers: MedGen C0270855.

Allele frequency attached by ClinVar (database versions not stated): gnomAD exomes 0.00003 and 0.00009; gnomAD 0.00004; TOPMed 0.00005; ExAC 0.00007.
gnomAD v4.1: 51 of 1,614,006 alleles (0.0032%); highest among the groups gnomAD compares: Admixed American, 0.025%; no homozygotes.

Submissions (2):

CeGaT Center for Human Genetics Tuebingen
Classification: Uncertain significance. Last evaluated: 2026-05-01. Review status: criteria provided, single submitter. Criteria: CeGaT Center For Human Genetics Tuebingen Variant Classification Criteria Version 2. Collection method: clinical testing. Allele origin: germline. Affected: yes. Observed: 1 variant allele.

Labcorp Genetics (formerly Invitae), Labcorp
Classification: Uncertain significance for Early Myoclonic Encephalopathy. Last evaluated: 2025-07-29. Review status: criteria provided, single submitter. Criteria: Invitae Variant Classification Sherloc (09022015). Collection method: clinical testing. Allele origin: germline.
Comment: This sequence change replaces arginine, which is basic and polar, with cysteine, which is neutral and slightly polar, at codon 1308 of the JMJD1C protein (p.Arg1308Cys). This variant is present in population databases (rs766701870, gnomAD 0.03%). This variant has not been reported in the literature in individuals affected with JMJD1C-related conditions. ClinVar contains an entry for this variant (Variation ID: 583114). Invitae Evidence Modeling of protein sequence and biophysical properties (such as structural, functional, and spatial information, amino acid conservation, physicochemical variation, residue mobility, and thermodynamic stability) indicates that this missense variant is not expected to disrupt JMJD1C protein function with a negative predictive value of 80%. In summary, the available evidence is currently insufficient to determine the role of this variant in disease. Therefore, it has been classified as a Variant of Uncertain Significance.